The following is an entry in ClinVar:

NM_024642.5(GALNT12):c.211C>G (p.Pro71Ala)

Gene: GALNT12 (polypeptide N-acetylgalactosaminyltransferase 12; plus strand). Cytogenetic location: 9q22.33.
Variant type: single nucleotide variant.
Coding change: c.211C>G on transcript NM_024642.5 (MANE Select); coding-DNA position 211, C replaced by G.
Protein change: p.Pro71Ala; replaces proline 71 with alanine.
Molecular consequence: missense variant.
Genome position (GRCh38, 1-based): chr9:98,807,909, C>G. VCF-style: chr9-98807909-C-G. GRCh37 (hg19) VCF-style: chr9-101570191-C-G.
Other names: short protein forms P71A.
Identifiers: ClinVar variation 4826985 (VCV004826985.1).

ClinVar aggregate classification (germline): Uncertain significance (1 of 4 stars; one submission).

Submission:

Ambry Genetics
Classification: Uncertain significance. Last evaluated: 2026-03-12. Review status: criteria provided, single submitter. Criteria: Ambry Variant Classification Scheme 2023. Collection method: clinical testing. Allele origin: germline.
Comment: The p.P71A variant (also known as c.211C>G), located in coding exon 1 of the GALNT12 gene, results from a C to G substitution at nucleotide position 211. The proline at codon 71 is replaced by alanine, an amino acid with highly similar properties. This amino acid position is conserved. In addition, this alteration is predicted to be tolerated by in silico analysis. Based on the available evidence, the clinical significance of this variant remains unclear.